The following is an entry in ClinVar:

ClinVar aggregate classification (germline): Pathogenic. Review status: criteria provided, multiple submitters, no conflicts (2 of 4 stars). 6 submissions from 6 submitters: Pathogenic (6). Last evaluated 2025-12-24.

Conditions:
Inborn genetic diseases. Identifiers: MedGen C0950123, MeSH D030342.
Citrullinemia type I (CTNL1). Also called: argininosuccinate synthetase deficiency; ASS DEFICIENCY. Identifiers: Orphanet 247525, MedGen C4721769, MONDO:0008988, OMIM 215700.
Citrullinemia. Identifiers: Orphanet 187, MedGen C0175683, MONDO:0015991.

Allele frequency attached by ClinVar (database versions not stated): gnomAD exomes 0.00002; TOPMed 0.00003; gnomAD 0.00004; ExAC 0.00006.
gnomAD v4.1: 40 of 1,612,490 alleles (0.0025%); highest among the groups gnomAD compares: Non-Finnish European, 0.003%; no homozygotes.

Submissions (6):

Labcorp Genetics (formerly Invitae), Labcorp
Classification: Pathogenic for Citrullinemia. Last evaluated: 2025-12-24. Review status: criteria provided, single submitter. Criteria: Invitae Variant Classification Sherloc (09022015). Collection method: clinical testing. Allele origin: germline.
Comment: This sequence change replaces alanine, which is neutral and non-polar, with threonine, which is neutral and polar, at codon 118 of the ASS1 protein (p.Ala118Thr). This variant is present in population databases (rs775305020, gnomAD 0.01%). This missense change has been observed in individual(s) with citrullinemia type I (PMID: 7977368, 23246278, 27287393). ClinVar contains an entry for this variant (Variation ID: 813406). Invitae Evidence Modeling of protein sequence and biophysical properties (such as structural, functional, and spatial information, amino acid conservation, physicochemical variation, residue mobility, and thermodynamic stability) indicates that this missense variant is expected to disrupt ASS1 protein function with a positive predictive value of 80%. Experimental studies have shown that this missense change affects ASS1 function (PMID: 8792870, 18473344, 27287393). For these reasons, this variant has been classified as Pathogenic.

Natera, Inc.
Classification: Pathogenic for Citrullinemia type I. Last evaluated: 2025-12-10. Review status: criteria provided, single submitter. Criteria: Natera Variant Classification Schema (03/2026). Collection method: clinical testing. Allele origin: germline.
Comment: The c.352G>A variant in ASS1 is a missense variant predicted to cause substitution of alanine to threonine at amino acid 118. This variant is rare in the general population with a frequency below the threshold expected for the associated phenotype(s). This variant has been observed in one or more individuals affected with the associated recessive disease, as either homozygous or compound heterozygous with a second variant (PMID: 27287393, 23246278). Given the available evidence, this variant is classified as Pathogenic.

Ambry Genetics
Classification: Pathogenic for Inborn genetic diseases. Last evaluated: 2022-06-10. Review status: criteria provided, single submitter. Criteria: Ambry Variant Classification Scheme 2023. Collection method: clinical testing. Allele origin: germline.
Comment: The c.352G>A (p.A118T) alteration is located in exon 5 (coding exon 3) of the ASS1 gene. This alteration results from a G to A substitution at nucleotide position 352, causing the alanine (A) at amino acid position 118 to be replaced by a threonine (T). Based on data from gnomAD, the A allele has an overall frequency of 0.002% (5/246928) total alleles studied. The highest observed frequency was 0.01% (1/9928) of Ashkenazi Jewish alleles. This alteration has been described as homozygous and compound heterozygous in multiple patients with citrullinemia type I (Gao, 2003; Kobayashi, 1994, H&auml;berle, 2010; Lee, 2013; Salek, 2010; Serrano, 2010). This amino acid position is highly conserved in available vertebrate species. Functional studies demonstrate that this alteration significantly impairs binding of citrulline and aspartate (Berning, 2008; Diez-Fernandez, 2016). This alteration is predicted to be deleterious by in silico analysis. Based on the available evidence, this alteration is classified as pathogenic.

Revvity Omics, Revvity
Classification: Pathogenic for Citrullinemia type I. Last evaluated: 2021-06-21. Review status: criteria provided, single submitter. Criteria: ACMG Guidelines, 2015. Collection method: clinical testing. Allele origin: germline.

Genetics and Molecular Pathology, SA Pathology
Classification: Pathogenic for Citrullinemia type I. Last evaluated: 2020-02-13. Review status: criteria provided, single submitter. Criteria: ACMG Guidelines, 2015. Collection method: clinical testing. Allele origin: germline. Affected: yes.

Juno Genomics, Hangzhou Juno Genomics, Inc
Classification: Pathogenic for Citrullinemia type I. Review status: criteria provided, single submitter. Criteria: ACMG Guidelines, 2015. Collection method: clinical testing. Allele origin: germline.
Comment: Absent from controls (or at extremely low frequency if recessive) in Genome Aggregation Database.;For recessive disorders, detected in trans with a pathogenic variant.;Well-established in vitro or in vivo functional studies supportive of a damaging effect on the gene or gene product.

Literature cited by the submitters: PubMed 7977368 (cited by Labcorp Genetics (formerly Invitae), Labcorp and Ambry Genetics); PubMed 23246278 (cited by 3 submitters); PubMed 27287393 (cited by 3 submitters); PubMed 8792870 (cited by Labcorp Genetics (formerly Invitae), Labcorp); PubMed 18473344 (cited by Labcorp Genetics (formerly Invitae), Labcorp and Ambry Genetics); PubMed 12815590 (cited by Ambry Genetics); PubMed 19684305 (cited by Ambry Genetics); PubMed 20005624 (cited by Ambry Genetics); PubMed 20818742 (cited by Ambry Genetics).

NM_054012.4(ASS1):c.352G>A (p.Ala118Thr)

Gene: ASS1 (argininosuccinate synthase 1; plus strand). Cytogenetic location: 9q34.11.
Variant type: single nucleotide variant.
Coding change: c.352G>A on transcript NM_054012.4 (MANE Select); coding-DNA position 352, G replaced by A.
Protein change: p.Ala118Thr; replaces alanine 118 with threonine.
Molecular consequence: missense variant.
Genome position (GRCh38, 1-based): chr9:130,458,578, G>A. VCF-style: chr9-130458578-G-A. GRCh37 (hg19) VCF-style: chr9-133333965-G-A.
Other names: c.352G>A, p.Ala118Thr (NM_000050.4); short protein forms A118T.
Identifiers: ClinVar variation 813406 (VCV000813406.25), dbSNP rs775305020, ClinGen allele CA5283236.